The following is an entry in ClinVar:

ClinVar aggregate classification (germline): Likely benign (1 of 4 stars; one submission).

gnomAD v4.1: 1 of 1,611,724 alleles (0.000062%); highest among the groups gnomAD compares: African/African-American, 0.0013%; no homozygotes.

Submission:

Mayo Clinic Laboratories, Mayo Clinic
Classification: Likely benign. Last evaluated: 2025-09-12. Review status: criteria provided, single submitter. Criteria: ACMG Guidelines, 2015. Collection method: clinical testing. Allele origin: germline. Observed: 1 variant allele.
Comment: BP4, BP7, PM2_supporting

NM_021098.3(CACNA1H):c.5136C>T (p.Thr1712=)

Gene: CACNA1H (calcium voltage-gated channel subunit alpha1 H; plus strand). Cytogenetic location: 16p13.3.
Variant type: single nucleotide variant.
Coding change: c.5136C>T on transcript NM_021098.3 (MANE Select); coding-DNA position 5136, C replaced by T.
Protein change: p.Thr1712=; no amino-acid change (threonine 1712 retained).
Molecular consequence: synonymous variant.
Genome position (GRCh38, 1-based): chr16:1,215,338, C>T. VCF-style: chr16-1215338-C-T. GRCh37 (hg19) VCF-style: chr16-1265338-C-T.
Other names: p.Thr1712=; c.5118C>T, p.Thr1706= (NM_001005407.2).
Identifiers: ClinVar variation 4684038 (VCV004684038.1).